The following is an entry in ClinVar:

ClinVar aggregate classification (germline): Likely benign (1 of 4 stars; one submission).

Conditions:
LMX1B-related disorder. Also called: LMX1B-related condition.

Submission:

PreventionGenetics, part of Exact Sciences
Classification: Likely benign for LMX1B-related condition. Last evaluated: 2024-11-27. Review status: criteria provided, single submitter. Criteria: ACMG Guidelines, 2015. Collection method: clinical testing. Allele origin: germline.
Comment: This variant is classified as likely benign based on ACMG/AMP sequence variant interpretation guidelines (Richards et al. 2015 PMID: 25741868, with internal and published modifications).

NM_001174147.2(LMX1B):c.327-5_327-2dup

Gene: LMX1B (LIM homeobox transcription factor 1 beta; plus strand). Cytogenetic location: 9q33.3.
Variant type: Duplication.
Coding change: c.327-5_327-2dup on transcript NM_001174147.2 (MANE Select); 5 bases into the intron before coding-DNA position 327 through the canonical splice acceptor site of the intron before coding-DNA position 327, 4 bases duplicated (CGCA; older notation c.327-5_327-2dupCGCA).
Molecular consequence: splice acceptor variant.
Genome position (GRCh38, 1-based): chr9:126,690,831-126,690,834, CGCA duplicated. VCF-style (leftmost placement, unchanged base first): chr9-126690830-C-CCGCA. GRCh37 (hg19) VCF-style: chr9-129453109-C-CCGCA.
Other names: c.327-5_327-2dup (NM_001174146.2, NM_002316.4).
Identifiers: ClinVar variation 4989773 (VCV004989773.1).